The following is an entry in ClinVar:

NM_001130823.3(DNMT1):c.4184A>G (p.Asn1395Ser)

Gene: DNMT1 (DNA methyltransferase 1; minus strand). Cytogenetic location: 19p13.2.
Variant type: single nucleotide variant.
Coding change: c.4184A>G on transcript NM_001130823.3 (MANE Select); coding-DNA position 4184, A replaced by G.
Protein change: p.Asn1395Ser; replaces asparagine 1395 with serine.
Molecular consequence: missense variant.
Genome position (GRCh38, 1-based): chr19:10,137,941, T>C on the plus strand (A>G on the coding strand, the complement: DNMT1 is on the minus strand). VCF-style: chr19-10137941-T-C. GRCh37 (hg19) VCF-style: chr19-10248617-T-C.
Other names: c.4136A>G, p.Asn1379Ser (NM_001318730.2, NM_001379.4); c.3821A>G, p.Asn1274Ser (NM_001318731.2); short protein forms N1274S, N1395S, N1379S.
Identifiers: ClinVar variation 1042444 (VCV001042444.8), dbSNP rs2089524907, ClinGen allele CA403970429.

ClinVar aggregate classification (germline): Uncertain significance (1 of 4 stars; one submission).

Conditions:
Hereditary sensory neuropathy-deafness-dementia syndrome. Also called: HSN IE; NEUROPATHY, HEREDITARY SENSORY, WITH HEARING LOSS AND DEMENTIA; Hereditary Sensory and Autonomic Neuropathy Type 1E (HSAN1E); Hereditary sensory neuropathy type IE. Identifiers: Orphanet 456318, MedGen C3279885, MONDO:0013584, OMIM 614116.

Submission:

Labcorp Genetics (formerly Invitae), Labcorp
Classification: Uncertain significance for Hereditary sensory neuropathy-deafness-dementia syndrome. Last evaluated: 2020-03-24. Review status: criteria provided, single submitter. Criteria: Invitae Variant Classification Sherloc (09022015). Collection method: clinical testing. Allele origin: germline.
Comment: This variant is not present in population databases (ExAC no frequency). This sequence change replaces asparagine with serine at codon 1395 of the DNMT1 protein (p.Asn1395Ser). The asparagine residue is highly conserved and there is a small physicochemical difference between asparagine and serine. Algorithms developed to predict the effect of missense changes on protein structure and function are either unavailable or do not agree on the potential impact of this missense change (SIFT: "Deleterious"; PolyPhen-2: "Possibly Damaging"; Align-GVGD: "Class C0"). In summary, the available evidence is currently insufficient to determine the role of this variant in disease. Therefore, it has been classified as a Variant of Uncertain Significance. This variant has not been reported in the literature in individuals with DNMT1-related conditions.